The following is an entry in ClinVar:

NM_004304.5(ALK):c.518T>C (p.Leu173Pro)

Gene: ALK (ALK receptor tyrosine kinase; minus strand). Cytogenetic location: 2p23.1.
Variant type: single nucleotide variant.
Coding change: c.518T>C on transcript NM_004304.5 (MANE Select); coding-DNA position 518, T replaced by C.
Protein change: p.Leu173Pro; replaces leucine 173 with proline.
Molecular consequence: missense variant.
Genome position (GRCh38, 1-based): chr2:29,920,142, A>G on the plus strand (T>C on the coding strand, the complement: ALK is on the minus strand). VCF-style: chr2-29920142-A-G. GRCh37 (hg19) VCF-style: chr2-30143008-A-G.
Other names: c.518T>C (NM_004304.4); short protein forms L173P.
Identifiers: ClinVar variation 2989714 (VCV002989714.4), dbSNP rs2148443074, ClinGen allele CA346589889.
Genomic context (GRCh38, chr2:29,920,142, plus strand): 5'-TTCTCGGGCATCAGGCGGATCCTCAGTCGCCCTTCGCCTTGGCGAATCCACCAACTGAAC[A>G]GCTCGCTGAGATTGAACTGGAGCAGCCCCACAGCCGCCTCCCCGGGGGGCCCGACGCAAC-3'
Protein context (NP_004295.2, residues 163-183): VGLLQFNLSE[Leu173Pro]FSWWIRQGEG

ClinVar aggregate classification (germline): Uncertain significance. Review status: criteria provided, multiple submitters, no conflicts (2 of 4 stars). 2 submissions from 2 submitters: Uncertain significance (2). Last evaluated 2024-04-15.

Conditions:
Neuroblastoma, susceptibility to, 3. Also called: ALK-Related Neuroblastic Tumor Susceptibility. Identifiers: Orphanet 635, MedGen C2751681, MONDO:0013083, OMIM 613014.
Hereditary cancer-predisposing syndrome. Also called: Hereditary Cancer Syndrome; Hereditary neoplastic syndrome; Neoplastic Syndromes, Hereditary; Tumor predisposition. Identifiers: Orphanet 140162, MedGen C0027672, MeSH D009386, MONDO:0015356.

Submissions (2):

Ambry Genetics
Classification: Uncertain significance for Hereditary cancer-predisposing syndrome. Last evaluated: 2024-04-15. Review status: criteria provided, single submitter. Criteria: Ambry Variant Classification Scheme 2023. Collection method: clinical testing. Allele origin: germline.
Comment: The p.L173P variant (also known as c.518T>C), located in coding exon 1 of the ALK gene, results from a T to C substitution at nucleotide position 518. The leucine at codon 173 is replaced by proline, an amino acid with similar properties. This amino acid position is conserved. In addition, this alteration is predicted to be tolerated by in silico analysis. Based on the available evidence, the clinical significance of this variant remains unclear.

Labcorp Genetics (formerly Invitae), Labcorp
Classification: Uncertain significance for Neuroblastoma, susceptibility to, 3. Last evaluated: 2024-04-10. Review status: criteria provided, single submitter. Criteria: Invitae Variant Classification Sherloc (09022015). Collection method: clinical testing. Allele origin: germline.
Comment: This sequence change replaces leucine, which is neutral and non-polar, with proline, which is neutral and non-polar, at codon 173 of the ALK protein (p.Leu173Pro). This variant is not present in population databases (gnomAD no frequency). This variant has not been reported in the literature in individuals affected with ALK-related conditions. An algorithm developed to predict the effect of missense changes on protein structure and function (PolyPhen-2) suggests that this variant is likely to be tolerated. In summary, the available evidence is currently insufficient to determine the role of this variant in disease. Therefore, it has been classified as a Variant of Uncertain Significance.